The following is an entry in ClinVar:

NM_001130438.3(SPTAN1):c.3956A>G (p.Gln1319Arg)

Gene: SPTAN1 (spectrin alpha, non-erythrocytic 1; plus strand). Cytogenetic location: 9q34.11.
Variant type: single nucleotide variant.
Coding change: c.3956A>G on transcript NM_001130438.3 (MANE Select); coding-DNA position 3956, A replaced by G.
Protein change: p.Gln1319Arg; replaces glutamine 1319 with arginine.
Molecular consequence: missense variant.
Genome position (GRCh38, 1-based): chr9:128,605,387, A>G. VCF-style: chr9-128605387-A-G. GRCh37 (hg19) VCF-style: chr9-131367666-A-G.
Other names: c.3896A>G, p.Gln1299Arg (NM_001195532.2, NM_001363765.2, NM_001375314.2); c.3956A>G, p.Gln1319Arg (NM_001363759.2, NM_001375310.1, NM_001375311.2 and 2 more transcripts); c.3992A>G, p.Gln1331Arg (NM_001375312.2, NM_001375318.1); short protein forms Q1299R, Q1319R, Q1331R.
Identifiers: ClinVar variation 1510315 (VCV001510315.7), dbSNP rs1412090989, ClinGen allele CA375065264.
Genomic context (GRCh38, chr9:128,605,387, plus strand): 5'-TGATCCAGTCCCATCCCGAGTCAGCAGAAGACCTGCAGGAAAAGTGCACAGAGTTAAACC[A>G]GGCCTGGAGCAGCCTGGGGAAACGTGCAGATCAGCGCAAGGCAAAGTTGGGTGACTCCCA-3'
Protein context (NP_001123910.1, residues 1309-1329): DLQEKCTELN[Gln1319Arg]AWSSLGKRAD

ClinVar aggregate classification (germline): Uncertain significance (1 of 4 stars; one submission).

Conditions:
Early-infantile DEE. Also called: Early infantile epileptic encephalopathy; Early infantile epileptic encephalopathy with suppression bursts; Ohtahara syndrome. Identifiers: Orphanet 1934, MedGen C0393706, MONDO:0800491.

Submission:

Labcorp Genetics (formerly Invitae), Labcorp
Classification: Uncertain significance for Early-infantile DEE. Last evaluated: 2024-02-16. Review status: criteria provided, single submitter. Criteria: Invitae Variant Classification Sherloc (09022015). Collection method: clinical testing. Allele origin: germline.
Comment: This sequence change replaces glutamine, which is neutral and polar, with arginine, which is basic and polar, at codon 1319 of the SPTAN1 protein (p.Gln1319Arg). This variant is not present in population databases (gnomAD no frequency). This variant has not been reported in the literature in individuals affected with SPTAN1-related conditions. ClinVar contains an entry for this variant (Variation ID: 1510315). Advanced modeling of protein sequence and biophysical properties (such as structural, functional, and spatial information, amino acid conservation, physicochemical variation, residue mobility, and thermodynamic stability) has been performed at Invitae for this missense variant, however the output from this modeling did not meet the statistical confidence thresholds required to predict the impact of this variant on SPTAN1 protein function. In summary, the available evidence is currently insufficient to determine the role of this variant in disease. Therefore, it has been classified as a Variant of Uncertain Significance.